The following is an entry in ClinVar:

NM_001844.5(COL2A1):c.3299C>T (p.Ser1100Leu)

Gene: COL2A1 (collagen type II alpha 1 chain; minus strand). Cytogenetic location: 12q13.11.
Variant type: single nucleotide variant.
Coding change: c.3299C>T on transcript NM_001844.5 (MANE Select); coding-DNA position 3299, C replaced by T.
Protein change: p.Ser1100Leu; replaces serine 1100 with leucine.
Molecular consequence: missense variant.
Genome position (GRCh38, 1-based): chr12:47,977,130, G>A on the plus strand (C>T on the coding strand, the complement: COL2A1 is on the minus strand). VCF-style: chr12-47977130-G-A. GRCh37 (hg19) VCF-style: chr12-48370913-G-A.
Other names: c.3092C>T, p.Ser1031Leu (NM_033150.3); short protein forms S1031L, S1100L.
Identifiers: ClinVar variation 4994010 (VCV004994010.1).
Genomic context (GRCh38, chr12:47,977,130, plus strand): 5'-GGGGACTCAGTGCAGGACACTTGGATACTCACCTGGATTCCCCGGGCTCCAGCTGGTCCT[G>A]AGGGTCCCATGGGGCCTTGTGCACCCTGAGGAGAGAGTGAGCGCAGCGTCAGAGAAAAGC-3'
Protein context (NP_001835.3, residues 1090-1110): EAGAQGPMGP[Ser1100Leu]GPAGARGIQG

ClinVar aggregate classification (germline): Uncertain significance (1 of 4 stars; one submission).

Conditions:
COL2A1-related disorder. Also called: COL2A1-related condition; COL2A1-related disorders.

gnomAD v4.1: 1 of 1,610,248 alleles (0.000062%); highest among the groups gnomAD compares: South Asian, 0.0011%; no homozygotes.

Submission:

PreventionGenetics, part of Exact Sciences
Classification: Uncertain significance for COL2A1-related condition. Last evaluated: 2025-10-16. Review status: criteria provided, single submitter. Criteria: ACMG Guidelines, 2015. Collection method: clinical testing. Allele origin: germline.
Comment: The COL2A1 c.3299C>T variant is predicted to result in the amino acid substitution p.Ser1100Leu. To our knowledge, this variant has not been reported in the literature or in a large population database (gnomAD), indicating this variant is rare. At this time, the clinical significance of this variant is uncertain due to the absence of conclusive functional and genetic evidence.